The following is an entry in ClinVar:

ClinVar aggregate classification (germline): Uncertain significance (1 of 4 stars; one submission).

Conditions:
Fanconi anemia (FA). Also called: Fanconi's anemia. Identifiers: Orphanet 84, MedGen C0015625, MeSH D005199, MONDO:0019391.

gnomAD v4.1: 2 of 1,209,401 alleles (0.00017%); highest among the groups gnomAD compares: East Asian, 0.003%; no homozygotes.

Submission:

Labcorp Genetics (formerly Invitae), Labcorp
Classification: Uncertain significance for Fanconi anemia. Last evaluated: 2025-05-06. Review status: criteria provided, single submitter. Criteria: Invitae Variant Classification Sherloc (09022015). Collection method: clinical testing. Allele origin: germline.
Comment: This sequence change replaces cysteine, which is neutral and slightly polar, with phenylalanine, which is neutral and non-polar, at codon 213 of the FANCB protein (p.Cys213Phe). This variant is present in population databases (rs755764501, gnomAD no frequency). This variant has not been reported in the literature in individuals affected with FANCB-related conditions. Invitae Evidence Modeling of protein sequence and biophysical properties (such as structural, functional, and spatial information, amino acid conservation, physicochemical variation, residue mobility, and thermodynamic stability) indicates that this missense variant is not expected to disrupt FANCB protein function with a negative predictive value of 80%. In summary, the available evidence is currently insufficient to determine the role of this variant in disease. Therefore, it has been classified as a Variant of Uncertain Significance.

NM_001018113.3(FANCB):c.638G>T (p.Cys213Phe)

Gene: FANCB (FA complementation group B; minus strand). Cytogenetic location: Xp22.2.
Variant type: single nucleotide variant.
Coding change: c.638G>T on transcript NM_001018113.3 (MANE Select); coding-DNA position 638, G replaced by T.
Protein change: p.Cys213Phe; replaces cysteine 213 with phenylalanine.
Molecular consequence: missense variant.
Genome position (GRCh38, 1-based): chrX:14,864,873, C>A on the plus strand (G>T on the coding strand, the complement: FANCB is on the minus strand). VCF-style: chrX-14864873-C-A. GRCh37 (hg19) VCF-style: chrX-14882995-C-A.
Other names: c.638G>T, p.Cys213Phe (NM_001324162.2, NM_001410764.1, NM_152633.4); short protein forms C213F.
Identifiers: ClinVar variation 4796885 (VCV004796885.1).